The following is an entry in ClinVar:

NM_004990.4(MARS1):c.2563A>G (p.Ile855Val)

Gene: MARS1 (methionyl-tRNA synthetase 1; plus strand). Cytogenetic location: 12q13.3.
Variant type: single nucleotide variant.
Coding change: c.2563A>G on transcript NM_004990.4 (MANE Select); coding-DNA position 2563, A replaced by G.
Protein change: p.Ile855Val; replaces isoleucine 855 with valine.
Molecular consequence: missense variant.
Genome position (GRCh38, 1-based): chr12:57,516,441, A>G. VCF-style: chr12-57516441-A-G. GRCh37 (hg19) VCF-style: chr12-57910224-A-G.
Other names: short protein forms I855V.
Identifiers: ClinVar variation 3750014 (VCV003750014.2).

ClinVar aggregate classification (germline): Uncertain significance (1 of 4 stars; one submission).

Conditions:
Severe early-onset pulmonary alveolar proteinosis due to MARS deficiency. Also called: PULMONARY ALVEOLAR PROTEINOSIS, REUNION ISLAND; Interstitial lung and liver disease. Identifiers: Orphanet 440427, MedGen C4225400, MONDO:0014206, OMIM 615486.
Charcot-Marie-Tooth disease axonal type 2U. Also called: CHARCOT-MARIE-TOOTH NEUROPATHY, TYPE 2U; CHARCOT-MARIE-TOOTH DISEASE, AXONAL, AUTOSOMAL DOMINANT, TYPE 2U. Identifiers: Orphanet 397735, MedGen C4084821, MONDO:0014566, OMIM 616280.

gnomAD v4.1: 1 of 1,613,054 alleles (0.000062%); highest among the groups gnomAD compares: Non-Finnish European, 0.000085%; no homozygotes.

Submission:

Labcorp Genetics (formerly Invitae), Labcorp
Classification: Uncertain significance for Charcot-Marie-Tooth disease axonal type 2U; Severe early-onset pulmonary alveolar proteinosis due to MARS deficiency. Last evaluated: 2024-02-21. Review status: criteria provided, single submitter. Criteria: Invitae Variant Classification Sherloc (09022015). Collection method: clinical testing. Allele origin: germline.
Comment: This sequence change replaces isoleucine, which is neutral and non-polar, with valine, which is neutral and non-polar, at codon 855 of the MARS protein (p.Ile855Val). This variant is not present in population databases (gnomAD no frequency). This variant has not been reported in the literature in individuals affected with MARS-related conditions. Algorithms developed to predict the effect of missense changes on protein structure and function output the following: SIFT: "Not Available"; PolyPhen-2: "Benign"; Align-GVGD: "Not Available". The valine amino acid residue is found in multiple mammalian species, which suggests that this missense change does not adversely affect protein function. In summary, the available evidence is currently insufficient to determine the role of this variant in disease. Therefore, it has been classified as a Variant of Uncertain Significance.